The following is an entry in ClinVar:

NM_006363.6(SEC23B):c.1340A>G (p.Gln447Arg)

Gene: SEC23B (SEC23 homolog B, COPII component; plus strand). Cytogenetic location: 20p11.23.
Variant type: single nucleotide variant.
Coding change: c.1340A>G on transcript NM_006363.6 (MANE Select); coding-DNA position 1340, A replaced by G.
Protein change: p.Gln447Arg; replaces glutamine 447 with arginine.
Molecular consequence: missense variant.
Genome position (GRCh38, 1-based): chr20:18,535,678, A>G. VCF-style: chr20-18535678-A-G. GRCh37 (hg19) VCF-style: chr20-18516322-A-G.
Other names: p.Gln447Arg; c.1340A>G (NM_006363.4); c.1340A>G, p.Gln447Arg (NM_001172745.3, NM_032985.6, NM_032986.5); c.1286A>G, p.Gln429Arg (NM_001172746.3); short protein forms Q429R, Q447R.
Identifiers: ClinVar variation 2435796 (VCV002435796.5), dbSNP rs760969796, ClinGen allele CA9778323.
Genomic context (GRCh38, chr20:18,535,678, plus strand): 5'-GGTTTTGTTTTTCAAATTCCTCTTCCCACCCCCAGGAGCTTGGTGTTGGTGGCACGAGTC[A>G]GTGGAAAATCTGTGGCCTAGATCCTACATCTACACTTGGCATCTATTTTGAAGTTGTCAA-3'
Protein context (NP_006354.2, residues 437-457): ENELGVGGTS[Gln447Arg]WKICGLDPTS

ClinVar aggregate classification (germline): Uncertain significance. Review status: criteria provided, multiple submitters, no conflicts (2 of 4 stars). 3 submissions from 3 submitters: Uncertain significance (3). Last evaluated 2025-08-29.

Conditions:
Inborn genetic diseases. Identifiers: MedGen C0950123, MeSH D030342.

Allele frequency attached by ClinVar (database versions not stated): gnomAD exomes 0.00002; TOPMed 0.00003; ExAC 0.00006.
gnomAD v4.1: 14 of 1,614,128 alleles (0.00087%); highest among the groups gnomAD compares: Admixed American, 0.023%; no homozygotes.

Submissions (3):

Ambry Genetics
Classification: Uncertain significance for Inborn genetic diseases. Last evaluated: 2025-08-29. Review status: criteria provided, single submitter. Criteria: Ambry Variant Classification Scheme 2023. Collection method: clinical testing. Allele origin: germline.

Mayo Clinic Laboratories, Mayo Clinic
Classification: Uncertain significance. Last evaluated: 2024-01-23. Review status: criteria provided, single submitter. Criteria: ACMG Guidelines, 2015. Collection method: clinical testing. Allele origin: germline. Observed: 1 variant allele.
Comment: PM2_moderate

Revvity Omics, Revvity
Classification: Uncertain significance. Last evaluated: 2023-06-19. Review status: criteria provided, single submitter. Criteria: ACMG Guidelines, 2015. Collection method: clinical testing. Allele origin: germline.